The following is an entry in ClinVar:

NM_053025.4(MYLK):c.5587G>A (p.Gly1863Arg)

Genes: MYLK-AS1 (MYLK antisense RNA 1; plus strand), MYLK (myosin light chain kinase; minus strand). Cytogenetic location: 3q21.1.
Variant type: single nucleotide variant.
Coding change: c.5587G>A on transcript NM_053025.4 (MANE Select); coding-DNA position 5587, G replaced by A.
Protein change: p.Gly1863Arg; replaces glycine 1863 with arginine.
Molecular consequence: missense variant.
Genome position (GRCh38, 1-based): chr3:123,614,263, C>T on the plus strand (G>A on the coding strand, the complement: MYLK is on the minus strand). VCF-style: chr3-123614263-C-T. GRCh37 (hg19) VCF-style: chr3-123333110-C-T.
Other names: p.Gly1863Arg; c.5059G>A, p.Gly1687Arg (NM_001321309.2); c.5380G>A, p.Gly1794Arg (NM_053026.4); c.5434G>A, p.Gly1812Arg (NM_053027.4); c.5227G>A, p.Gly1743Arg (NM_053028.4); c.304G>A, p.Gly102Arg (NM_053031.4); c.307G>A, p.Gly103Arg (NM_053032.4); short protein forms G1863R, G103R, G102R, G1812R, G1687R, G1743R, G1794R.
Identifiers: ClinVar variation 582011 (VCV000582011.9), dbSNP rs1559957355, ClinGen allele CA354229113.

ClinVar aggregate classification (germline): Uncertain significance. Review status: criteria provided, multiple submitters, no conflicts (2 of 4 stars). 2 submissions from 2 submitters: Uncertain significance (2). Last evaluated 2025-08-01.

Conditions:
Aortic aneurysm, familial thoracic 7 (AAT7). Also called: AORTIC DISSECTION, FAMILIAL, WITH OR WITHOUT AORTIC ANEURYSM. Identifiers: MedGen C3151077, MONDO:0013418, OMIM 613780.

Allele frequency attached by ClinVar (database versions not stated): gnomAD exomes below 0.00001; TOPMed below 0.00001.
gnomAD v4.1: 4 of 1,614,126 alleles (0.00025%); highest among the groups gnomAD compares: Non-Finnish European, 0.00034%; no homozygotes.

Submissions (2):

Mayo Clinic Laboratories, Mayo Clinic
Classification: Uncertain significance. Last evaluated: 2025-08-01. Review status: criteria provided, single submitter. Criteria: ACMG Guidelines, 2015. Collection method: clinical testing. Allele origin: germline. Observed: 1 variant allele.
Comment: PP3_moderate, PM2_supporting

Labcorp Genetics (formerly Invitae), Labcorp
Classification: Uncertain significance for Aortic aneurysm, familial thoracic 7. Last evaluated: 2022-08-19. Review status: criteria provided, single submitter. Criteria: Invitae Variant Classification Sherloc (09022015). Collection method: clinical testing. Allele origin: germline.
Comment: In summary, the available evidence is currently insufficient to determine the role of this variant in disease. Therefore, it has been classified as a Variant of Uncertain Significance. Advanced modeling of protein sequence and biophysical properties (such as structural, functional, and spatial information, amino acid conservation, physicochemical variation, residue mobility, and thermodynamic stability) performed at Invitae indicates that this missense variant is not expected to disrupt MYLK protein function. ClinVar contains an entry for this variant (Variation ID: 582011). This variant has not been reported in the literature in individuals affected with MYLK-related conditions. This variant is not present in population databases (gnomAD no frequency). This sequence change replaces glycine, which is neutral and non-polar, with arginine, which is basic and polar, at codon 1863 of the MYLK protein (p.Gly1863Arg).

Literature cited by the submitters: PubMed 21055718 (cited by Mayo Clinic Laboratories, Mayo Clinic).